The following is an entry in ClinVar:

ClinVar aggregate classification (germline): Uncertain significance. Review status: criteria provided, multiple submitters, no conflicts (2 of 4 stars). 2 submissions from 2 submitters: Uncertain significance (2). Last evaluated 2021-11-05.

Allele frequency attached by ClinVar (database versions not stated): gnomAD exomes below 0.00001.
gnomAD v4.1: 1 of 1,613,486 alleles (0.000062%); highest among the groups gnomAD compares: Non-Finnish European, 0.000085%; no homozygotes.

Submissions (2):

Blueprint Genetics
Classification: Uncertain significance. Last evaluated: 2021-11-05. Review status: criteria provided, single submitter. Criteria: ACMG Guidelines, 2015. Collection method: clinical testing. Allele origin: germline.

GeneDx
Classification: Uncertain significance. Last evaluated: 2019-01-15. Review status: criteria provided, single submitter. Criteria: GeneDx Variant Classification Process June 2021. Collection method: clinical testing. Allele origin: germline. Affected: yes.
Comment: Not observed in large population cohorts (Lek et al., 2016); In silico analysis, which includes protein predictors and evolutionary conservation, supports that this variant does not alter protein structure/function; Has not been previously published as pathogenic or benign to our knowledge

NM_007327.4(GRIN1):c.103A>G (p.Thr35Ala)

Gene: GRIN1 (glutamate ionotropic receptor NMDA type subunit 1; plus strand). Cytogenetic location: 9q34.3.
Variant type: single nucleotide variant.
Coding change: c.103A>G on transcript NM_007327.4 (MANE Select); coding-DNA position 103, A replaced by G.
Protein change: p.Thr35Ala; replaces threonine 35 with alanine.
Molecular consequence: missense variant.
Genome position (GRCh38, 1-based): chr9:137,139,589, A>G. VCF-style: chr9-137139589-A-G. GRCh37 (hg19) VCF-style: chr9-140034041-A-G.
Other names: c.103A>G, p.Thr35Ala (NM_000832.7, NM_001185090.2, NM_001185091.2 and 1 more transcripts); short protein forms T35A.
Identifiers: ClinVar variation 1304486 (VCV001304486.3), dbSNP rs2131186563, ClinGen allele CA375713139.